The following is an entry in ClinVar:

ClinVar aggregate classification (germline): Uncertain significance (1 of 4 stars; one submission).

Submission:

Women's Health and Genetics/Laboratory Corporation of America, LabCorp
Classification: Uncertain significance. Last evaluated: 2025-08-15. Review status: criteria provided, single submitter. Criteria: LabCorp Variant Classification Summary - May 2015. Collection method: clinical testing. Allele origin: germline.
Comment: Variant summary: MYH9 c.4423G>A (p.Glu1475Lys) results in a conservative amino acid change located in the Myosin tail (IPR002928) of the encoded protein sequence. Algorithms developed to predict the effect of missense changes on protein structure and function are either unavailable or do not agree on the potential impact of this missense change. The variant was absent in 250402 control chromosomes. The available data on variant occurrences in the general population are insufficient to allow any conclusion about variant significance. c.4423G>A has been observed in individual(s) affected with Macrothrombocytopenia With Or Without Nephritis Or Sensorineural Hearing Loss (Saposnik_2014). These report(s) do not provide unequivocal conclusions about association of the variant with Macrothrombocytopenia And Granulocyte Inclusions With Or Without Nephritis Or Sensorineural Hearing Loss. To our knowledge, no experimental evidence demonstrating an impact on protein function has been reported. The following publication have been ascertained in the context of this evaluation (PMID: 25077172). ClinVar contains an entry for this variant (Variation ID: 3339712). Based on the evidence outlined above, the variant was classified as uncertain significance.

Literature cited by the submitters: PubMed 25077172.

NM_002473.6(MYH9):c.4423G>A (p.Glu1475Lys)

Gene: MYH9 (myosin heavy chain 9; minus strand). Cytogenetic location: 22q12.3.
Variant type: single nucleotide variant.
Coding change: c.4423G>A on transcript NM_002473.6 (MANE Select); coding-DNA position 4423, G replaced by A.
Protein change: p.Glu1475Lys; replaces glutamic acid 1475 with lysine.
Molecular consequence: missense variant.
Genome position (GRCh38, 1-based): chr22:36,289,219, C>T on the plus strand (G>A on the coding strand, the complement: MYH9 is on the minus strand). VCF-style: chr22-36289219-C-T. GRCh37 (hg19) VCF-style: chr22-36685265-C-T.
Other names: short protein forms E1475K.
Identifiers: ClinVar variation 3339712 (VCV003339712.2).